The following is an entry in ClinVar:

ClinVar aggregate classification (germline): Conflicting classifications of pathogenicity. Review status: criteria provided, conflicting classifications (1 of 4 stars). 2 submissions from 2 submitters: Likely pathogenic (1); Uncertain significance (1). Last evaluated 2025-08-14.

Conditions:
BTK-related disorder. Also called: BTK-related condition.
X-linked agammaglobulinemia with growth hormone deficiency (IGHD3). Also called: AGAMMAGLOBULINEMIA AND ISOLATED GROWTH HORMONE DEFICIENCY, X-LINKED; FLEISHER SYNDROME; HYPOGAMMAGLOBULINEMIA AND ISOLATED GROWTH HORMONE DEFICIENCY, X-LINKED; IGHD III; Isolated growth hormone deficiency type 3; Growth hormone deficiency with hypogammaglobulinemia. Identifiers: Orphanet 231692, Orphanet 631, MedGen C0472813, MONDO:0010615, OMIM 307200.

Submissions (2):

Labcorp Genetics (formerly Invitae), Labcorp
Classification: Uncertain significance for X-linked agammaglobulinemia with growth hormone deficiency. Last evaluated: 2025-08-14. Review status: criteria provided, single submitter. Criteria: Invitae Variant Classification Sherloc (09022015). Collection method: clinical testing. Allele origin: germline.
Comment: This sequence change falls in intron 2 of the BTK gene. It does not directly change the encoded amino acid sequence of the BTK protein. The frequency data for this variant in the population databases is considered unreliable, as metrics indicate insufficient coverage at this position in the gnomAD database. This variant has been observed in individual(s) with agammaglobulinemia (PMID: 23726535). ClinVar contains an entry for this variant (Variation ID: 636945). Algorithms developed to predict the effect of sequence changes on RNA splicing suggest that this variant may create or strengthen a splice site. In summary, the available evidence is currently insufficient to determine the role of this variant in disease. Therefore, it has been classified as a Variant of Uncertain Significance.

Blueprint Genetics
Classification: Likely pathogenic for BTK-related disorders. Last evaluated: 2021-12-10. Review status: criteria provided, single submitter. Criteria: ACMG Guidelines, 2015. Collection method: clinical testing. Allele origin: germline. Affected: yes. Observed: 2 variant alleles.

Literature cited by the submitters: PubMed 23726535 (cited by Labcorp Genetics (formerly Invitae), Labcorp).

NM_000061.3(BTK):c.142-205A>G

Gene: BTK (Bruton tyrosine kinase; minus strand). Cytogenetic location: Xq22.1.
Variant type: single nucleotide variant.
Coding change: c.142-205A>G on transcript NM_000061.3 (MANE Select); 205 bases into the intron before coding-DNA position 142, A replaced by G.
Molecular consequence: intron variant.
Genome position (GRCh38, 1-based): chrX:101,374,839, T>C on the plus strand (A>G on the coding strand, the complement: BTK is on the minus strand). VCF-style: chrX-101374839-T-C. GRCh37 (hg19) VCF-style: chrX-100629827-T-C.
Other names: c.244-205A>G (NM_001287344.2); c.142-205A>G (NM_001287345.2).
Identifiers: ClinVar variation 636945 (VCV000636945.3), dbSNP rs1603019780, ClinGen allele CA915951325.